The following is an entry in ClinVar:

ClinVar aggregate classification (germline): Uncertain significance (1 of 4 stars; one submission).

Conditions:
ZNF292-related disorder. Also called: ZNF292-related condition.

gnomAD v4.1: 3 of 1,613,432 alleles (0.00019%); highest among the groups gnomAD compares: Non-Finnish European, 0.00025%; no homozygotes.

Submission:

PreventionGenetics, part of Exact Sciences
Classification: Uncertain significance for ZNF292-related condition. Last evaluated: 2025-11-06. Review status: criteria provided, single submitter. Criteria: ACMG Guidelines, 2015. Collection method: clinical testing. Allele origin: germline.
Comment: The ZNF292 c.7093G>A variant is predicted to result in the amino acid substitution p.Val2365Ile. To our knowledge, this variant has not been reported in the literature or in a large population database (gnomAD), indicating this variant is rare. At this time, the clinical significance of this variant is uncertain due to the absence of conclusive functional and genetic evidence.

NM_015021.3(ZNF292):c.7093G>A (p.Val2365Ile)

Gene: ZNF292 (zinc finger protein 292; plus strand). Cytogenetic location: 6q14.3.
Variant type: single nucleotide variant.
Coding change: c.7093G>A on transcript NM_015021.3 (MANE Select); coding-DNA position 7093, G replaced by A.
Protein change: p.Val2365Ile; replaces valine 2365 with isoleucine.
Molecular consequence: missense variant.
Genome position (GRCh38, 1-based): chr6:87,260,722, G>A. VCF-style: chr6-87260722-G-A. GRCh37 (hg19) VCF-style: chr6-87970440-G-A.
Other names: c.6673G>A, p.Val2225Ile (NM_001351444.2); short protein forms V2225I, V2365I.
Identifiers: ClinVar variation 4995885 (VCV004995885.1).